The following is an entry in ClinVar:

NM_007254.4(PNKP):c.365C>T (p.Thr122Ile)

Gene: PNKP (polynucleotide kinase 3'-phosphatase; minus strand). Cytogenetic location: 19q13.33.
Variant type: single nucleotide variant.
Coding change: c.365C>T on transcript NM_007254.4 (MANE Select); coding-DNA position 365, C replaced by T.
Protein change: p.Thr122Ile; replaces threonine 122 with isoleucine.
Molecular consequence: missense variant.
Genome position (GRCh38, 1-based): chr19:49,865,260, G>A on the plus strand (C>T on the coding strand, the complement: PNKP is on the minus strand). VCF-style: chr19-49865260-G-A. GRCh37 (hg19) VCF-style: chr19-50368517-G-A.
Other names: short protein forms T122I.
Identifiers: ClinVar variation 2164434 (VCV002164434.4), dbSNP rs2514641156, ClinGen allele CA406889891.
Genomic context (GRCh38, chr19:49,865,260, plus strand): 5'-TTCCGCATACGCTTCTTCGGCAGCTCAGCATCTCTCTTCTCATCTTGGGACACCAGAGGG[G>A]TGCCAGGCGGAGTATCTGGCTGGGATTCTGGTGTGCGGGTCTCTTCCCAGCGCAGGGTCA-3'
Protein context (NP_009185.2, residues 112-132): PESQPDTPPG[Thr122Ile]PLVSQDEKRD

ClinVar aggregate classification (germline): Uncertain significance (1 of 4 stars; one submission).

Conditions:
Developmental and epileptic encephalopathy, 12 (DEE12). Identifiers: MedGen C3150988, MONDO:0013389, OMIM 613722.

Allele frequency attached by ClinVar (database versions not stated): gnomAD exomes below 0.00001.
gnomAD v4.1: 4 of 1,614,208 alleles (0.00025%); highest among the groups gnomAD compares: Middle Eastern, 0.016%; no homozygotes.

Submission:

Labcorp Genetics (formerly Invitae), Labcorp
Classification: Uncertain significance for Developmental and epileptic encephalopathy, 12. Last evaluated: 2022-02-11. Review status: criteria provided, single submitter. Criteria: Invitae Variant Classification Sherloc (09022015). Collection method: clinical testing. Allele origin: germline.
Comment: In summary, the available evidence is currently insufficient to determine the role of this variant in disease. Therefore, it has been classified as a Variant of Uncertain Significance. Algorithms developed to predict the effect of missense changes on protein structure and function are either unavailable or do not agree on the potential impact of this missense change (SIFT: "Deleterious"; PolyPhen-2: "Possibly Damaging"; Align-GVGD: "Class C0"). This variant has not been reported in the literature in individuals affected with PNKP-related conditions. This variant is not present in population databases (gnomAD no frequency). This sequence change replaces threonine, which is neutral and polar, with isoleucine, which is neutral and non-polar, at codon 122 of the PNKP protein (p.Thr122Ile).